The following is an entry in ClinVar:

ClinVar aggregate classification (germline): Uncertain significance (1 of 4 stars; one submission).

Conditions:
Aortic aneurysm, familial thoracic 6 (AAT6). Also called: FAMILIAL THORACIC AORTIC ANEURYSM WITH LIVEDO RETICULARIS AND IRIS FLOCCULI. Identifiers: MedGen C2673186, MONDO:0012730, OMIM 611788.

Submission:

Labcorp Genetics (formerly Invitae), Labcorp
Classification: Uncertain significance for Aortic aneurysm, familial thoracic 6. Last evaluated: 2023-08-14. Review status: criteria provided, single submitter. Criteria: Invitae Variant Classification Sherloc (09022015). Collection method: clinical testing. Allele origin: germline.
Comment: This sequence change replaces glutamic acid, which is acidic and polar, with lysine, which is basic and polar, at codon 318 of the ACTA2 protein (p.Glu318Lys). This variant is not present in population databases (gnomAD no frequency). This missense change has been observed in individual(s) with thoracic aortic aneurysm and dissection (PMID: 30739908). Advanced modeling of protein sequence and biophysical properties (such as structural, functional, and spatial information, amino acid conservation, physicochemical variation, residue mobility, and thermodynamic stability) performed at Invitae indicates that this missense variant is expected to disrupt ACTA2 protein function. In summary, the available evidence is currently insufficient to determine the role of this variant in disease. Therefore, it has been classified as a Variant of Uncertain Significance.

Literature cited by the submitters: PubMed 30739908.

NM_001613.4(ACTA2):c.952G>A (p.Glu318Lys)

Genes: ACTA2 (actin alpha 2, smooth muscle; minus strand), ACTA2-AS1 (ACTA2 antisense RNA 1; plus strand). Cytogenetic location: 10q23.31.
Variant type: single nucleotide variant.
Coding change: c.952G>A on transcript NM_001613.4 (MANE Select); coding-DNA position 952, G replaced by A.
Protein change: p.Glu318Lys; replaces glutamic acid 318 with lysine.
Molecular consequence: missense variant.
Genome position (GRCh38, 1-based): chr10:88,938,099, C>T on the plus strand (G>A on the coding strand, the complement: ACTA2 is on the minus strand). VCF-style: chr10-88938099-C-T. GRCh37 (hg19) VCF-style: chr10-90697856-C-T.
Other names: c.952G>A, p.Glu318Lys (NM_001141945.3, NM_001320855.2, NM_001406462.1 and 2 more transcripts); c.841G>A, p.Glu281Lys (NM_001406466.1); c.823G>A, p.Glu275Lys (NM_001406467.1, NM_001406468.1, NM_001406469.1); c.760G>A, p.Glu254Lys (NM_001406471.1); short protein forms E275K, E318K, E281K, E254K.
Identifiers: ClinVar variation 2972665 (VCV002972665.3), dbSNP rs2494518812, ClinGen allele CA377510723.